The following is an entry in ClinVar:

NM_170601.5(SIAE):c.157C>A (p.Pro53Thr)

Gene: SIAE (sialic acid acetylesterase; minus strand). Cytogenetic location: 11q24.2.
Variant type: single nucleotide variant.
Coding change: c.157C>A on transcript NM_170601.5 (MANE Select); coding-DNA position 157, C replaced by A.
Protein change: p.Pro53Thr; replaces proline 53 with threonine.
Molecular consequence: missense variant.
Genome position (GRCh38, 1-based): chr11:124,669,432, G>T on the plus strand (C>A on the coding strand, the complement: SIAE is on the minus strand). VCF-style: chr11-124669432-G-T. GRCh37 (hg19) VCF-style: chr11-124539328-G-T.
Other names: c.52C>A, p.Pro18Thr (NM_001199922.2); short protein forms P18T, P53T.
Identifiers: ClinVar variation 2804501 (VCV002804501.3), dbSNP rs1943318358, ClinGen allele CA383122130.

ClinVar aggregate classification (germline): Uncertain significance (1 of 4 stars; one submission).

Submission:

Labcorp Genetics (formerly Invitae), Labcorp
Classification: Uncertain significance. Last evaluated: 2024-07-29. Review status: criteria provided, single submitter. Criteria: Invitae Variant Classification Sherloc (09022015). Collection method: clinical testing. Allele origin: germline.
Comment: This sequence change replaces proline, which is neutral and non-polar, with threonine, which is neutral and polar, at codon 53 of the SIAE protein (p.Pro53Thr). This variant is not present in population databases (gnomAD no frequency). This variant has not been reported in the literature in individuals affected with SIAE-related conditions. An algorithm developed to predict the effect of missense changes on protein structure and function (PolyPhen-2) suggests that this variant is likely to be tolerated. In summary, the available evidence is currently insufficient to determine the role of this variant in disease. Therefore, it has been classified as a Variant of Uncertain Significance.